The following is an entry in ClinVar:

ClinVar aggregate classification (germline): Uncertain significance (1 of 4 stars; one submission).

Allele frequency attached by ClinVar (database versions not stated): gnomAD exomes below 0.00001.
gnomAD v4.1: 1 of 1,561,954 alleles (0.000064%); highest among the groups gnomAD compares: South Asian, 0.0012%; no homozygotes.

Submission:

GeneDx
Classification: Uncertain significance. Last evaluated: 2023-04-04. Review status: criteria provided, single submitter. Criteria: GeneDx Variant Classification Process June 2021. Collection method: clinical testing. Allele origin: germline. Affected: yes.
Comment: Not observed at significant frequency in large population cohorts (gnomAD); In silico analysis supports that this variant does not alter splicing; Has not been previously published as pathogenic or benign to our knowledge

NM_003482.4(KMT2D):c.2712G>A (p.Gly904=)

Gene: KMT2D (lysine methyltransferase 2D; minus strand). Cytogenetic location: 12q13.12.
Variant type: single nucleotide variant.
Coding change: c.2712G>A on transcript NM_003482.4 (MANE Select); coding-DNA position 2712, G replaced by A.
Protein change: p.Gly904=; no amino-acid change (glycine 904 retained).
Molecular consequence: synonymous variant.
Genome position (GRCh38, 1-based): chr12:49,050,971, C>T on the plus strand (G>A on the coding strand, the complement: KMT2D is on the minus strand). VCF-style: chr12-49050971-C-T. GRCh37 (hg19) VCF-style: chr12-49444754-C-T.
Identifiers: ClinVar variation 2662120 (VCV002662120.1), dbSNP rs755624812, ClinGen allele CA6548205.
Genomic context (GRCh38, chr12:49,050,971, plus strand): 5'-GGATGGCTCCCCAGATGGGGACAACGGCAGCTCCTCGGGCAGAGGGGACAGAGGTGGTTC[C>T]CCAGGCTCAGACAGGGCTGGCTCTCCAAGCAAGGGAGATAAGGATGGTTCCCCAGGGGGA-3'
Protein context (NP_003473.3, residues 894-914): LLGEPALSEP[Gly904=]EPPLSPLPEE